The following is an entry in ClinVar:

ClinVar aggregate classification (germline): Uncertain significance. Review status: criteria provided, multiple submitters, no conflicts (2 of 4 stars). 3 submissions from 3 submitters: Uncertain significance (2). 1 of the submissions does not count toward it. Last evaluated 2019-07-07.

Conditions:
Thrombophilia due to protein S deficiency, autosomal dominant (THPH5). Identifiers: Orphanet 26349, Orphanet 743, MedGen C3278211, MONDO:0012868, OMIM 612336. Disease mechanism: loss of function.
Thrombophilia due to protein S deficiency, autosomal recessive (THPH6). Identifiers: Orphanet 743, MedGen C3281092, MONDO:0013791, OMIM 614514. Disease mechanism: loss of function.

gnomAD v4.1: 8 of 1,613,846 alleles (0.0005%); highest among the groups gnomAD compares: Non-Finnish European, 0.00068%; no homozygotes.

Submissions (3):

Labcorp Genetics (formerly Invitae), Labcorp
Classification: Uncertain significance for Thrombophilia due to protein S deficiency, autosomal recessive. Last evaluated: 2019-07-07. Review status: criteria provided, single submitter. Criteria: Invitae Variant Classification Sherloc (09022015). Collection method: clinical testing. Allele origin: germline.
Comment: This sequence change replaces serine with alanine at codon 501 of the PROS1 protein (p.Ser501Ala). The serine residue is weakly conserved and there is a moderate physicochemical difference between serine and alanine. This variant is present in population databases (rs121918472, ExAC 0.003%). This variant has been observed in a family affected with protein S deficiency, as well as in unaffected control individuals (PMID: 8765219, 24014240). This variant is also known as Ser460Ala in the literature. Algorithms developed to predict the effect of missense changes on protein structure and function (SIFT, PolyPhen-2, Align-GVGD) all suggest that this variant is likely to be tolerated, but these predictions have not been confirmed by published functional studies and their clinical significance is uncertain. In summary, the available evidence is currently insufficient to determine the role of this variant in disease. Therefore, it has been classified as a Variant of Uncertain Significance.

ISTH-SSC Genomics in Thrombosis and Hemostasis, KU Leuven, Center for Molecular and Vascular Biology
Classification: Uncertain significance for Thrombophilia due to protein S deficiency, autosomal dominant. Review status: criteria provided, single submitter. Criteria: ACMG Guidelines, 2015. Collection method: clinical testing. Allele origin: unknown. Affected: yes.
Comment: Submitted to GoldVariant by Kathleen Freson, Center for Molecular and Vascular Biology, Leuven, Belgium

Department of Transfusion Medicine and Hemostaseology, University Hospital Erlangen
Classification: Likely pathogenic for Thrombophilia due to protein S deficiency, autosomal dominant. Last evaluated: 2025-09-01. Review status: no assertion criteria provided. Collection method: clinical testing. Allele origin: germline. Not counted in ClinVar's aggregate classification.
Comment: This variant was identified during a screening of patients with suspected hereditary Protein S deficiency. It has been described in the literature as correlating with protein S deficiency (PMID: 8765219, 24014240), but has not been characterized in vitro. No allele frequency is reported in dbSNP. Several in silico variant effect prediction tools (PolyPhen-2, SIFT, AlphaMissense) classify this variant as likely benign. Taken together, we classified this variant as likely pathogenic.

Literature cited by the submitters: PubMed 8765219 (cited by Labcorp Genetics (formerly Invitae), Labcorp and Department of Transfusion Medicine and Hemostaseology, University Hospital Erlangen); PubMed 24014240 (cited by Labcorp Genetics (formerly Invitae), Labcorp and Department of Transfusion Medicine and Hemostaseology, University Hospital Erlangen); PubMed 34355501 (cited by ISTH-SSC Genomics in Thrombosis and Hemostasis, KU Leuven, Center for Molecular and Vascular Biology).

NM_000313.4(PROS1):c.1501T>G (p.Ser501Ala)

Gene: PROS1 (protein S; minus strand). Cytogenetic location: 3q11.1.
Variant type: single nucleotide variant.
Coding change: c.1501T>G on transcript NM_000313.4 (MANE Select); coding-DNA position 1501, T replaced by G.
Protein change: p.Ser501Ala; replaces serine 501 with alanine.
Molecular consequence: missense variant.
Genome position (GRCh38, 1-based): chr3:93,879,306, A>C on the plus strand (T>G on the coding strand, the complement: PROS1 is on the minus strand). VCF-style: chr3-93879306-A-C. GRCh37 (hg19) VCF-style: chr3-93598150-A-C.
Other names: c.1597T>G, p.Ser533Ala (NM_001314077.2); short protein forms S501A, S533A.
Identifiers: ClinVar variation 951427 (VCV000951427.4), dbSNP rs121918472, ClinGen allele CA2503171.
Genomic context (GRCh38, chr3:93,879,306, plus strand): 5'-CAGTGCCCGTGGATGGACGAATATTCAAGGTCACATTTACATGCCAACCCTCAGCACTGG[A>C]TACATTATCTATTTAAAATAATGAAACAGAAGCATGATCAATGCACTCCTAAAGTGCATC-3'
Protein context (NP_000304.2, residues 491-511): AQFHIDYNNV[Ser501Ala]SAEGWHVNVT